The following is an entry in ClinVar:

NM_004385.5(VCAN):c.8758C>T (p.Leu2920Phe)

Genes: VCAN (versican; plus strand), VCAN-AS1 (VCAN antisense RNA 1; minus strand). Cytogenetic location: 5q14.3.
Variant type: single nucleotide variant.
Coding change: c.8758C>T on transcript NM_004385.5 (MANE Select); coding-DNA position 8758, C replaced by T.
Protein change: p.Leu2920Phe; replaces leucine 2920 with phenylalanine.
Molecular consequence: missense variant. On other transcripts: intron variant (2).
Genome position (GRCh38, 1-based): chr5:83,541,761, C>T. VCF-style: chr5-83541761-C-T. GRCh37 (hg19) VCF-style: chr5-82837580-C-T.
Other names: c.8758C>T (NM_004385.4); c.5797C>T, p.Leu1933Phe (NM_001164097.2); c.4004-3776C>T (NM_001164098.2); c.1043-3776C>T (NM_001126336.3); short protein forms L1933F, L2920F.
Identifiers: ClinVar variation 3679079 (VCV003679079.3).
Genomic context (GRCh38, chr5:83,541,761, plus strand): 5'-CCTTCAGAAGATGATGGTAAACCTGAGTTATTAGAAGAAATGGAAGCTTCTCCCACAGAA[C>T]TTATTGCTGTGGAAGGAACTGAGATTCTCCAAGATTTCCAAAACAAAACCGATGGTCAAG-3'
Protein context (NP_004376.2, residues 2910-2930): LEEMEASPTE[Leu2920Phe]IAVEGTEILQ

ClinVar aggregate classification (germline): Uncertain significance. Review status: criteria provided, multiple submitters, no conflicts (2 of 4 stars). 2 submissions from 2 submitters: Uncertain significance (2). Last evaluated 2024-11-21.

Conditions:
VCAN-related disorder. Also called: VCAN-related condition.

gnomAD v4.1: 12 of 1,614,060 alleles (0.00074%); highest among the groups gnomAD compares: East Asian, 0.027%; no homozygotes.

Submissions (2):

PreventionGenetics, part of Exact Sciences
Classification: Uncertain significance for VCAN-related condition. Last evaluated: 2024-11-21. Review status: criteria provided, single submitter. Criteria: ACMG Guidelines, 2015. Collection method: clinical testing. Allele origin: germline.
Comment: The VCAN c.8758C>T variant is predicted to result in the amino acid substitution p.Leu2920Phe. To our knowledge, this variant has not been reported in the literature. This variant is present in 0.011% of alleles in individuals of East Asian descent in gnomAD. At this time, the clinical significance of this variant is uncertain due to the absence of conclusive functional and genetic evidence.

Labcorp Genetics (formerly Invitae), Labcorp
Classification: Uncertain significance. Last evaluated: 2024-08-02. Review status: criteria provided, single submitter. Criteria: Invitae Variant Classification Sherloc (09022015). Collection method: clinical testing. Allele origin: germline.
Comment: This sequence change replaces leucine, which is neutral and non-polar, with phenylalanine, which is neutral and non-polar, at codon 2920 of the VCAN protein (p.Leu2920Phe). This variant is present in population databases (rs760541340, gnomAD 0.01%). This variant has not been reported in the literature in individuals affected with VCAN-related conditions. An algorithm developed to predict the effect of missense changes on protein structure and function outputs the following: PolyPhen-2: "Benign". The phenylalanine amino acid residue is found in multiple mammalian species, which suggests that this missense change does not adversely affect protein function. In summary, the available evidence is currently insufficient to determine the role of this variant in disease. Therefore, it has been classified as a Variant of Uncertain Significance.